The following is an entry in ClinVar:

ClinVar aggregate classification (germline): Uncertain significance (1 of 4 stars; one submission).

gnomAD v4.1: 1 of 1,211,234 alleles (0.000083%); highest among the groups gnomAD compares: Non-Finnish European, 0.00011%; no homozygotes.

Submission:

GeneDx
Classification: Uncertain significance. Last evaluated: 2023-08-07. Review status: criteria provided, single submitter. Criteria: GeneDx Variant Classification Process June 2021. Collection method: clinical testing. Allele origin: germline. Affected: yes.
Comment: Not observed at significant frequency in large population cohorts (gnomAD); In silico analysis supports that this missense variant has a deleterious effect on protein structure/function; Has not been previously published as pathogenic or benign to our knowledge

NM_001039591.3(USP9X):c.2251G>A (p.Glu751Lys)

Gene: USP9X (ubiquitin specific peptidase 9 X-linked; plus strand). Cytogenetic location: Xp11.4.
Variant type: single nucleotide variant.
Coding change: c.2251G>A on transcript NM_001039591.3 (MANE Select); coding-DNA position 2251, G replaced by A.
Protein change: p.Glu751Lys; replaces glutamic acid 751 with lysine.
Molecular consequence: missense variant.
Genome position (GRCh38, 1-based): chrX:41,166,137, G>A. VCF-style: chrX-41166137-G-A. GRCh37 (hg19) VCF-style: chrX-41025390-G-A.
Other names: c.2251G>A, p.Glu751Lys (NM_001039590.3); c.2266G>A, p.Glu756Lys (NM_001410748.1, NM_001410749.1); short protein forms E751K, E756K.
Identifiers: ClinVar variation 3361792 (VCV003361792.1).